The following is an entry in ClinVar:

NM_001382567.1(STIM1):c.2092T>G (p.Ser698Ala)

Genes: STIM1 (stromal interaction molecule 1; plus strand), LOC124418421 (Sharpr-MPRA regulatory region 9588; plus strand). Cytogenetic location: 11p15.4.
Variant type: single nucleotide variant.
Coding change: c.2092T>G on transcript NM_001382567.1 (MANE Select); coding-DNA position 2092, T replaced by G.
Protein change: p.Ser698Ala; replaces serine 698 with alanine.
Molecular consequence: missense variant. On other transcripts: 3 prime UTR variant (4), non-coding transcript variant (3).
Genome position (GRCh38, 1-based): chr11:4,091,739, T>G. VCF-style: chr11-4091739-T-G. GRCh37 (hg19) VCF-style: chr11-4112969-T-G.
Other names: c.2317T>G, p.Ser773Ala (NM_001277961.3); c.*413T>G (NM_001277962.2, NM_001382578.1, NM_001382579.1 and 1 more transcripts); c.2095T>G, p.Ser699Ala (NM_001382566.1); c.2020T>G, p.Ser674Ala (NM_001382568.1); c.1864T>G, p.Ser622Ala (NM_001382569.1); c.1771T>G, p.Ser591Ala (NM_001382570.1); c.1519T>G, p.Ser507Ala (NM_001382571.1); c.1777T>G, p.Ser593Ala (NM_001382575.1, NM_001382576.1, NM_001382577.1); and 2 more; short protein forms S507A, S591A, S593A, S504A, S699A, S674A, S698A, S622A.
Identifiers: ClinVar variation 2938108 (VCV002938108.3), dbSNP rs2498547083, ClinGen allele CA379198268.

ClinVar aggregate classification (germline): Uncertain significance (1 of 4 stars; one submission).

Conditions:
Myopathy with tubular aggregates (TAM). Also called: Tubular Aggregate Myopathy. Identifiers: Orphanet 2593, MedGen C0410207, MONDO:0008051.
Stormorken syndrome (STRMK). Also called: THROMBOCYTOPATHY, ASPLENIA, AND MIOSIS. Identifiers: Orphanet 3204, MedGen C1861451, MONDO:0008497, OMIM 185070.
Combined immunodeficiency due to STIM1 deficiency. Also called: STIM1 DEFICIENCY; IMMUNODEFICIENCY 10. Identifiers: Orphanet 169090, Orphanet 317430, MedGen C2748557, MONDO:0013008, OMIM 612783.

Submission:

Labcorp Genetics (formerly Invitae), Labcorp
Classification: Uncertain significance for Myopathy with tubular aggregates; Combined immunodeficiency due to STIM1 deficiency; Stormorken syndrome. Last evaluated: 2023-08-11. Review status: criteria provided, single submitter. Criteria: Invitae Variant Classification Sherloc (09022015). Collection method: clinical testing. Allele origin: germline.
Comment: In summary, the available evidence is currently insufficient to determine the role of this variant in disease. Therefore, it has been classified as a Variant of Uncertain Significance. Advanced modeling of protein sequence and biophysical properties (such as structural, functional, and spatial information, amino acid conservation, physicochemical variation, residue mobility, and thermodynamic stability) has been performed at Invitae for this missense variant, however the output from this modeling did not meet the statistical confidence thresholds required to predict the impact of this variant on STIM1 protein function. This variant has not been reported in the literature in individuals affected with STIM1-related conditions. This variant is not present in population databases (gnomAD no frequency). This sequence change replaces serine, which is neutral and polar, with alanine, which is neutral and non-polar, at codon 667 of the STIM1 protein (p.Ser667Ala).